The following is an entry in ClinVar:

NM_138713.4(NFAT5):c.2660A>G (p.His887Arg)

Gene: NFAT5 (nuclear factor of activated T cells 5; plus strand). Cytogenetic location: 16q22.1.
Variant type: single nucleotide variant.
Coding change: c.2660A>G on transcript NM_138713.4 (MANE Select); coding-DNA position 2660, A replaced by G.
Protein change: p.His887Arg; replaces histidine 887 with arginine.
Molecular consequence: missense variant.
Genome position (GRCh38, 1-based): chr16:69,692,485, A>G. VCF-style: chr16-69692485-A-G. GRCh37 (hg19) VCF-style: chr16-69726388-A-G.
Other names: c.2657A>G, p.His886Arg (NM_001113178.3); c.1985A>G, p.His662Arg (NM_001367709.1); c.2606A>G, p.His869Arg (NM_006599.4); c.2378A>G, p.His793Arg (NM_138714.4, NM_173214.3, NM_173215.3); short protein forms H662R, H886R, H887R, H869R, H793R.
Identifiers: ClinVar variation 3657783 (VCV003657783.2).

ClinVar aggregate classification (germline): Uncertain significance (1 of 4 stars; one submission).

Conditions:
Immunodeficiency. Identifiers: MedGen C0021051, MONDO:0021094, HP:0002721.

Submission:

Labcorp Genetics (formerly Invitae), Labcorp
Classification: Uncertain significance for Immunodeficiency. Last evaluated: 2024-06-25. Review status: criteria provided, single submitter. Criteria: Invitae Variant Classification Sherloc (09022015). Collection method: clinical testing. Allele origin: germline.
Comment: This sequence change replaces histidine, which is basic and polar, with arginine, which is basic and polar, at codon 793 of the NFAT5 protein (p.His793Arg). This variant is not present in population databases (gnomAD no frequency). This variant has not been reported in the literature in individuals affected with NFAT5-related conditions. An algorithm developed to predict the effect of missense changes on protein structure and function (PolyPhen-2) suggests that this variant is likely to be tolerated. In summary, the available evidence is currently insufficient to determine the role of this variant in disease. Therefore, it has been classified as a Variant of Uncertain Significance.